The following is an entry in ClinVar:

ClinVar aggregate classification (germline): Benign/Likely benign. Review status: criteria provided, multiple submitters, no conflicts (2 of 4 stars). 10 submissions from 9 submitters: Benign (3); Likely benign (6). 1 of the submissions does not count toward it. Last evaluated 2026-02-03.

Conditions:
Holoprosencephaly 7 (HPE7). Identifiers: Orphanet 2162, MedGen C1835820, MONDO:0012562, OMIM 610828.
PTCH1-related disorder. Also called: PTCH1-related disorders; PTCH1-related condition.
Gorlin syndrome. Also called: Basal cell nevus syndrome; Nevoid Basal Cell Carcinoma Syndrome. Identifiers: Orphanet 377, MedGen C0004779, MONDO:0007187.

Allele frequency attached by ClinVar (database versions not stated): 1000 Genomes Project 0.00040; gnomAD exomes 0.00043 and 0.00052; ESP Exome Variant Server 0.00046; 1000 Genomes Project 30x 0.00047; TOPMed 0.00049; gnomAD 0.00053; ExAC 0.00063.
gnomAD v4.1: 725 of 1,597,662 alleles (0.045%); highest among the groups gnomAD compares: Middle Eastern, 0.48%; 3 homozygotes.

Submissions (10):

Labcorp Genetics (formerly Invitae), Labcorp
Classification: Benign for Gorlin syndrome. Last evaluated: 2026-02-03. Review status: criteria provided, single submitter. Criteria: Invitae Variant Classification Sherloc (09022015). Collection method: clinical testing. Allele origin: germline.

Center for Genomic Medicine, Rigshospitalet, Copenhagen University Hospital
Classification: Likely benign. Last evaluated: 2025-12-29. Review status: criteria provided, single submitter. Criteria: ACMG Guidelines, 2015. Collection method: clinical testing. Allele origin: germline.

ARUP Laboratories, Molecular Genetics and Genomics, ARUP Laboratories
Classification: Likely benign. Last evaluated: 2025-07-30. Review status: criteria provided, single submitter. Criteria: ARUP Molecular Germline Variant Investigation Process 2024. Collection method: clinical testing. Allele origin: germline.

Blueprint Genetics
Classification: Likely benign. Last evaluated: 2024-11-21. Review status: criteria provided, single submitter. Criteria: ACMG Guidelines, 2015. Collection method: clinical testing. Allele origin: germline.

Department of Pathology and Laboratory Medicine, Sinai Health System
Classification: Likely benign for nevoid basal cell carcinoma syndrome. Last evaluated: 2024-02-01. Review status: criteria provided, single submitter. Criteria: ACMG Guidelines, 2015. Collection method: clinical testing. Allele origin: germline. Affected: yes.

Illumina Laboratory Services, Illumina
Classification: Likely benign for Holoprosencephaly 7. Last evaluated: 2018-01-12. Review status: criteria provided, single submitter. Criteria: ICSL Variant Classification Criteria 13 December 2019. Collection method: clinical testing. Allele origin: germline.
Comment: This variant was observed in the ICSL laboratory as part of a predisposition screen in an ostensibly healthy population. It had not been previously curated by ICSL or reported in the Human Gene Mutation Database (HGMD: prior to June 1st, 2018), and was therefore a candidate for classification through an automated scoring system. Utilizing variant allele frequency, disease prevalence and penetrance estimates, and inheritance mode, an automated score was calculated to assess if this variant is too frequent to cause the disease. Based on the score and internal cut-off values, a variant classified as likely benign is not then subjected to further curation. The score for this variant resulted in a classification of likely benign for this disease.

Illumina Laboratory Services, Illumina
Classification: Benign for Basal cell nevus syndrome 1. Last evaluated: 2018-01-12. Review status: criteria provided, single submitter. Criteria: ICSL Variant Classification Criteria 13 December 2019. Collection method: clinical testing. Allele origin: germline.
Comment: This variant was observed in the ICSL laboratory as part of a predisposition screen in an ostensibly healthy population. It had not been previously curated by ICSL or reported in the Human Gene Mutation Database (HGMD: prior to June 1st, 2018), and was therefore a candidate for classification through an automated scoring system. Utilizing variant allele frequency, disease prevalence and penetrance estimates, and inheritance mode, an automated score was calculated to assess if this variant is too frequent to cause the disease. Based on the score and internal cut-off values, a variant classified as benign is not then subjected to further curation. The score for this variant resulted in a classification of benign for this disease.

GeneDx
Classification: Benign. Last evaluated: 2015-08-12. Review status: criteria provided, single submitter. Criteria: GeneDx Variant Classification (06012015). Collection method: clinical testing. Allele origin: germline. Affected: yes.
Comment: This variant is considered likely benign or benign based on one or more of the following criteria: it is a conservative change, it occurs at a poorly conserved position in the protein, it is predicted to be benign by multiple in silico algorithms, and/or has population frequency not consistent with disease.

Breakthrough Genomics
Classification: Likely benign. Review status: criteria provided, single submitter. Criteria: ACMG Guidelines, 2015. Collection method: not provided. Allele origin: germline. Inheritance: Autosomal dominant inheritance. Affected: yes.

PreventionGenetics, part of Exact Sciences
Classification: Likely benign for PTCH1-related condition. Last evaluated: 2022-09-08. Review status: no assertion criteria provided. Collection method: clinical testing. Allele origin: germline. Not counted in ClinVar's aggregate classification.
Comment: This variant is classified as likely benign based on ACMG/AMP sequence variant interpretation guidelines (Richards et al. 2015 PMID: 25741868, with internal and published modifications).

NM_000264.5(PTCH1):c.1847+14C>T

Genes: PTCH1 (patched 1; minus strand), LOC100507346 (uncharacterized LOC100507346; plus strand). Cytogenetic location: 9q22.32.
Variant type: single nucleotide variant.
Coding change: c.1847+14C>T on transcript NM_000264.5 (MANE Select); 14 bases into the intron after coding-DNA position 1847, C replaced by T.
Molecular consequence: intron variant. On other transcripts: non-coding transcript variant (1).
Genome position (GRCh38, 1-based): chr9:95,469,799, G>A on the plus strand (C>T on the coding strand, the complement: PTCH1 is on the minus strand). VCF-style: chr9-95469799-G-A. GRCh37 (hg19) VCF-style: chr9-98232081-G-A.
Other names: c.1844+14C>T (NM_001083603.3); c.1649+14C>T (NM_001083602.3); c.1691+14C>T (NM_001354918.2); c.1394+14C>T (NM_001083605.3, NM_001083604.3, NM_001083606.3 and 1 more transcripts).
Identifiers: ClinVar variation 367668 (VCV000367668.19), dbSNP rs202007968, ClinGen allele CA5138511.